The following is an entry in ClinVar:

NM_001387025.1(GRAMD1B):c.1314C>T (p.Ala438=)

Gene: GRAMD1B (GRAM domain containing 1B; plus strand). Cytogenetic location: 11q24.1.
Variant type: single nucleotide variant.
Coding change: c.1314C>T on transcript NM_001387025.1 (MANE Select); coding-DNA position 1314, C replaced by T.
Protein change: p.Ala438=; no amino-acid change (alanine 438 retained).
Molecular consequence: synonymous variant.
Genome position (GRCh38, 1-based): chr11:123,605,469, C>T. VCF-style: chr11-123605469-C-T. GRCh37 (hg19) VCF-style: chr11-123476177-C-T.
Other names: c.906C>T, p.Ala302= (NM_001286563.3); c.765C>T, p.Ala255= (NM_001286564.3, NM_001330396.3, NM_001387030.1 and 5 more transcripts); c.966C>T, p.Ala322= (NM_001367418.2, NM_001367419.2, NM_001367420.2); c.1182C>T, p.Ala394= (NM_001367421.2); c.1314C>T, p.Ala438= (NM_001387024.1); c.1311C>T, p.Ala437= (NM_001387026.1); c.885C>T, p.Ala295= (NM_001387028.1, NM_001387029.1, NM_020716.4).
Identifiers: ClinVar variation 788878 (VCV000788878.17), dbSNP rs75493628, ClinGen allele CA6333551.

ClinVar aggregate classification (germline): Benign/Likely benign. Review status: criteria provided, multiple submitters, no conflicts (2 of 4 stars). 2 submissions from 2 submitters: Benign (1); Likely benign (1). Last evaluated 2024-11-01.

Allele frequency attached by ClinVar (database versions not stated): 1000 Genomes Project 0.00180; 1000 Genomes Project 30x 0.00219; ExAC 0.00223; gnomAD exomes 0.00230 and 0.00370; gnomAD 0.00251 and 0.00275; ESP Exome Variant Server 0.00254; TOPMed 0.00267.
gnomAD v4.1: 5,828 of 1,609,956 alleles (0.36%); highest among the groups gnomAD compares: Non-Finnish European, 0.44%; 19 homozygotes.

Submissions (2):

CeGaT Center for Human Genetics Tuebingen
Classification: Likely benign. Last evaluated: 2024-11-01. Review status: criteria provided, single submitter. Criteria: CeGaT Center For Human Genetics Tuebingen Variant Classification Criteria Version 2. Collection method: clinical testing. Allele origin: germline. Affected: yes. Observed: 1 variant allele.
Comment: GRAMD1B: BP4, BP7, BS2

Labcorp Genetics (formerly Invitae), Labcorp
Classification: Benign. Last evaluated: 2018-01-05. Review status: criteria provided, single submitter. Criteria: Invitae Variant Classification Sherloc (09022015). Collection method: clinical testing. Allele origin: germline.